The following is an entry in ClinVar:

NM_001042492.3(NF1):c.3797A>G (p.Glu1266Gly)

Gene: NF1 (neurofibromin 1; plus strand). Cytogenetic location: 17q11.2.
Variant type: single nucleotide variant.
Coding change: c.3797A>G on transcript NM_001042492.3 (MANE Select); coding-DNA position 3797, A replaced by G.
Protein change: p.Glu1266Gly; replaces glutamic acid 1266 with glycine.
Molecular consequence: missense variant.
Genome position (GRCh38, 1-based): chr17:31,235,699, A>G. VCF-style: chr17-31235699-A-G. GRCh37 (hg19) VCF-style: chr17-29562717-A-G.
Other names: c.3797A>G, p.Glu1266Gly (NM_000267.4); short protein forms E1266G.
Identifiers: ClinVar variation 1734990 (VCV001734990.4), dbSNP rs2508259488, ClinGen allele CA398992640.

ClinVar aggregate classification (germline): Uncertain significance. Review status: criteria provided, multiple submitters, no conflicts (2 of 4 stars). 3 submissions from 3 submitters: Uncertain significance (3). Last evaluated 2024-01-03.

Conditions:
Hereditary cancer-predisposing syndrome. Also called: Neoplastic Syndromes, Hereditary; Tumor predisposition; Hereditary Cancer Syndrome; Hereditary neoplastic syndrome. Identifiers: Orphanet 140162, MedGen C0027672, MeSH D009386, MONDO:0015356.
Cardiovascular phenotype. Identifiers: MedGen CN230736.
Juvenile myelomonocytic leukemia (JMML). Also called: LEUKEMIA, JUVENILE MYELOMONOCYTIC, SOMATIC. Identifiers: Orphanet 86834, MedGen C0349639, MONDO:0011908, OMIM 607785, HP:0012209.

Submissions (3):

Women's Health and Genetics/Laboratory Corporation of America, LabCorp
Classification: Uncertain significance. Last evaluated: 2024-01-03. Review status: criteria provided, single submitter. Criteria: LabCorp Variant Classification Summary - May 2015. Collection method: clinical testing. Allele origin: germline.
Comment: Variant summary: NF1 c.3797A>G (p.Glu1266Gly) results in a non-conservative amino acid change located in the Ras GTPase-activating domain (IPR001936) of the encoded protein sequence. Five of five in-silico tools predict a damaging effect of the variant on protein function. The variant was absent in 251326 control chromosomes (gnomAD). The available data on variant occurrences in the general population are insufficient to allow any conclusion about variant significance. To our knowledge, no occurrence of c.3797A>G in individuals affected with Neurofibromatosis Type 1 and no experimental evidence demonstrating its impact on protein function have been reported. Two submitters have cited clinical-significance assessments for this variant to ClinVar after 2014. All submitters classified the variant as uncertain significance. Based on the evidence outlined above, the variant was classified as uncertain significance.

Baylor Genetics
Classification: Uncertain significance for Juvenile myelomonocytic leukemia. Last evaluated: 2023-05-05. Review status: criteria provided, single submitter. Criteria: ACMG Guidelines, 2015. Collection method: clinical testing. Allele origin: unknown.

Ambry Genetics
Classification: Uncertain significance for Cardiovascular phenotype; Hereditary cancer-predisposing syndrome. Last evaluated: 2020-11-05. Review status: criteria provided, single submitter. Criteria: Ambry Variant Classification Scheme 2023. Collection method: clinical testing. Allele origin: germline.
Comment: The p.E1266G variant (also known as c.3797A>G), located in coding exon 28 of the NF1 gene, results from an A to G substitution at nucleotide position 3797. The glutamic acid at codon 1266 is replaced by glycine, an amino acid with similar properties. This amino acid position is highly conserved in available vertebrate species. In addition, this alteration is predicted to be deleterious by in silico analysis. Since supporting evidence is limited at this time, the clinical significance of this alteration remains unclear.